The following is an entry in ClinVar:

ClinVar aggregate classification (germline): Benign. Review status: criteria provided, multiple submitters, no conflicts (2 of 4 stars). 6 submissions from 6 submitters: Benign (4). 2 of the submissions do not count toward it. Last evaluated 2025-09-10.

Conditions:
Achondroplasia (ACH). Also called: Achondroplastic dwarfism. Identifiers: Orphanet 15, MedGen C0001080, MONDO:0007037, OMIM 100800. Disease mechanism: gain of function.
Congenital heart disease (CHD). Identifiers: MedGen C0152021, MONDO:0005453. Disease mechanism: unknown.

Allele frequency attached by ClinVar (database versions not stated): gnomAD exomes 0.34000; gnomAD 0.34439 and 0.34766; TOPMed 0.35080; 1000 Genomes Project 30x 0.38976; 1000 Genomes Project 0.39996.
gnomAD v4.1: 52,899 of 152,118 alleles (35%); highest among the groups gnomAD compares: East Asian, 54%; 9,414 homozygotes.

Submissions (6):

Genomic Medicine Center of Excellence, King Faisal Specialist Hospital and Research Centre
Classification: Benign for Achondroplasia. Last evaluated: 2025-09-10. Review status: criteria provided, single submitter. Criteria: ACMG Guidelines, 2015. Collection method: clinical testing. Allele origin: germline.

GeneDx
Classification: Benign. Last evaluated: 2021-05-12. Review status: criteria provided, single submitter. Criteria: GeneDx Variant Classification Process June 2021. Collection method: clinical testing. Allele origin: germline. Affected: yes.

H3Africa Consortium
Classification: Benign. Last evaluated: 2020-10-28. Review status: criteria provided, single submitter. Criteria: Choudhury A et al. (Nature 2020). Collection method: research. Allele origin: germline. Inheritance: Autosomal dominant inheritance. Study: H3Africa.
Comment: While the frequency of the alternate allele in gnoMAD v2.0.2 is 0.375, its frequency in African populations is >5%. This suggests that previous classifications of this variant as pathogenic are in error.

Breakthrough Genomics
Classification: Benign. Review status: criteria provided, single submitter. Criteria: ACMG Guidelines, 2015. Collection method: not provided. Allele origin: germline. Inheritance: Autosomal dominant inheritance. Affected: yes.

Reproductive Health Research and Development, BGI Genomics
Classification: Benign for Congenital heart disease. Last evaluated: 2020-01-06. Review status: no assertion criteria provided. Collection method: curation. Allele origin: germline. Not counted in ClinVar's aggregate classification.
Comment: NM_002052.3:c.*1256A>T in the gene GATA4 has an allele frequency of 0.376 in African subpopulation in the gnomAD database. 1936 homozygous occurrences are observed in the gnomAD database. This evidence suggests the variant to be classified as benign. ACMG/AMP criteria applied: BA1; BS2.

Central Research Laboratory, Sri Devaraj Urs Academy of Higher Education and Research
Classification: Pathogenic for Congenital heart disease. Last evaluated: 2017-01-07. Review status: no assertion criteria provided. Collection method: clinical testing. Allele origin: unknown. Affected: yes. Observed: 45 variant alleles. Not counted in ClinVar's aggregate classification.
Comment: This variant, NG_008177.2:g.87813A>T, leads to the formation of ISS binding motif 2.

Literature cited by the submitters: PubMed 27426723 (cited by Central Research Laboratory, Sri Devaraj Urs Academy of Higher Education and Research).

NM_001308093.3(GATA4):c.*1256A>T

Gene: GATA4 (GATA binding protein 4). Cytogenetic location: 8p23.1.
Variant type: single nucleotide variant.
Coding change: c.*1256A>T on transcript NM_001308093.3 (MANE Select); 1256 bases downstream of the stop codon, A replaced by T.
Molecular consequence: 3 prime UTR variant.
Genome position (GRCh38, 1-based): chr8:11,759,731, A>T. VCF-style: chr8-11759731-A-T. GRCh37 (hg19) VCF-style: chr8-11617240-A-T.
Other names: c.*1256A>T (NM_001308094.2, NM_001374273.1, NM_001374274.1 and 1 more transcripts).
Identifiers: ClinVar variation 433026 (VCV000433026.8), dbSNP rs12458, ClinGen allele CA12714005.